The following is an entry in ClinVar:

NM_005529.7(HSPG2):c.907C>T (p.Leu303Phe)

Gene: HSPG2 (heparan sulfate proteoglycan 2; minus strand). Cytogenetic location: 1p36.12.
Variant type: single nucleotide variant.
Coding change: c.907C>T on transcript NM_005529.7 (MANE Select); coding-DNA position 907, C replaced by T.
Protein change: p.Leu303Phe; replaces leucine 303 with phenylalanine.
Molecular consequence: missense variant.
Genome position (GRCh38, 1-based): chr1:21,887,471, G>A on the plus strand (C>T on the coding strand, the complement: HSPG2 is on the minus strand). VCF-style: chr1-21887471-G-A. GRCh37 (hg19) VCF-style: chr1-22213964-G-A.
Other names: c.907C>T, p.Leu303Phe (NM_001291860.2); short protein forms L303F.
Identifiers: ClinVar variation 1375280 (VCV001375280.8), dbSNP rs755797996, ClinGen allele CA673669.

ClinVar aggregate classification (germline): Uncertain significance (1 of 4 stars; one submission).

Allele frequency attached by ClinVar (database versions not stated): gnomAD exomes below 0.00001; ExAC 0.00001; gnomAD 0.00001; TOPMed 0.00002.
gnomAD v4.1: 4 of 1,613,972 alleles (0.00025%); highest among the groups gnomAD compares: African/African-American, 0.004%; no homozygotes.

Submission:

Labcorp Genetics (formerly Invitae), Labcorp
Classification: Uncertain significance. Last evaluated: 2022-07-25. Review status: criteria provided, single submitter. Criteria: Invitae Variant Classification Sherloc (09022015). Collection method: clinical testing. Allele origin: germline.
Comment: This variant is present in population databases (rs755797996, gnomAD 0.007%). In summary, the available evidence is currently insufficient to determine the role of this variant in disease. Therefore, it has been classified as a Variant of Uncertain Significance. Algorithms developed to predict the effect of missense changes on protein structure and function output the following: SIFT: "Deleterious"; PolyPhen-2: "Benign"; Align-GVGD: "Class C0". The phenylalanine amino acid residue is found in multiple mammalian species, which suggests that this missense change does not adversely affect protein function. ClinVar contains an entry for this variant (Variation ID: 1375280). This variant has not been reported in the literature in individuals affected with HSPG2-related conditions. This sequence change replaces leucine, which is neutral and non-polar, with phenylalanine, which is neutral and non-polar, at codon 303 of the HSPG2 protein (p.Leu303Phe).